The following is an entry in ClinVar:

NM_004483.5(GCSH):c.17T>G (p.Val6Gly)

Genes: GCSH (glycine cleavage system protein H; minus strand), LOC130059495 (ATAC-STARR-seq lymphoblastoid silent region 7751; plus strand). Cytogenetic location: 16q23.2.
Variant type: single nucleotide variant.
Coding change: c.17T>G on transcript NM_004483.5 (MANE Select); coding-DNA position 17, T replaced by G.
Protein change: p.Val6Gly; replaces valine 6 with glycine.
Molecular consequence: missense variant. On other transcripts: non-coding transcript variant (1).
Genome position (GRCh38, 1-based): chr16:81,096,262, A>C on the plus strand (T>G on the coding strand, the complement: GCSH is on the minus strand). VCF-style: chr16-81096262-A-C. GRCh37 (hg19) VCF-style: chr16-81129867-A-C.
Other names: short protein forms V6G.
Identifiers: ClinVar variation 565508 (VCV000565508.1), dbSNP rs1567591606, ClinGen allele CA396889558.

ClinVar aggregate classification (germline): Uncertain significance (1 of 4 stars; one submission).

Conditions:
Glycine encephalopathy. Also called: Non-ketotic hyperglycinemia; Nonketotic hyperglycinemia. Identifiers: Orphanet 407, MedGen C0751748, MONDO:0011612, HP:0008288.

Submission:

Labcorp Genetics (formerly Invitae), Labcorp
Classification: Uncertain significance for Non-ketotic hyperglycinemia. Last evaluated: 2018-02-05. Review status: criteria provided, single submitter. Criteria: Invitae Variant Classification Sherloc (09022015). Collection method: clinical testing. Allele origin: germline.
Comment: This sequence change replaces valine with glycine at codon 6 of the GCSH protein (p.Val6Gly). The valine residue is weakly conserved and there is a moderate physicochemical difference between valine and glycine. While this variant is not present in population databases, the frequency information is unreliable, as metrics indicate poor data quality at this position in the ExAC database. This variant has not been reported in the literature in individuals with GCSH-related disease. Algorithms developed to predict the effect of missense changes on protein structure and function do not agree on the potential impact of this missense change (SIFT: "Deleterious"; PolyPhen-2: "Benign"; Align-GVGD: "Class C0"). In summary, the available evidence is currently insufficient to determine the role of this variant in disease. Therefore, it has been classified as a Variant of Uncertain Significance.